The following is an entry in ClinVar:

ClinVar aggregate classification (germline): Likely pathogenic (1 of 4 stars; one submission).

Submission:

GeneDx
Classification: Likely pathogenic. Last evaluated: 2017-08-01. Review status: criteria provided, single submitter. Criteria: GeneDx Variant Classification (06012015). Collection method: clinical testing. Allele origin: germline. Affected: yes.
Comment: A variant that is likely pathogenic has been identified in the SH3TC2 gene. The c.312dupT likely pathogenic variant has not been published as a pathogenic variant, nor has it been reported as a benign variant to our knowledge. The c.312dupT variant is not observed in large population cohorts (Lek et al., 2016; 1000 Genomes Consortium et al., 2015; Exome Variant Server). The c.312dupT likely pathogenic variant in the gene causes a frameshift starting with codon Glutamine 105, changes this amino acid to a Serine residue and creates a premature Stop codon at position 23 of the new reading frame, denoted p.Gln105SerfsX23. This likely pathogenic variant is predicted to cause loss of normal protein function either through protein truncation or nonsense-mediated mRNA decay. Therefore, this variant is likely pathogenic; however, the possibility that it is benign cannot be excluded.

NM_024577.4(SH3TC2):c.312dup (p.Gln105fs)

Gene: SH3TC2 (SH3 domain and tetratricopeptide repeats 2; minus strand). Cytogenetic location: 5q32.
Variant type: Duplication.
Coding change: c.312dup on transcript NM_024577.4 (MANE Select); coding-DNA position 312, one base duplicated (T; older notation c.312dupT).
Protein change: p.Gln105fs; shifts the reading frame from glutamine 105.
Molecular consequence: frameshift variant.
Genome position (GRCh38, 1-based): chr5:149,044,606, A duplicated on the plus strand (T on the coding strand, the reverse complement: SH3TC2 is on the minus strand). VCF-style (leftmost placement, unchanged base first): chr5-149044605-G-GA. GRCh37 (hg19) VCF-style: chr5-148424168-G-GA.
Other names: c.312dupT (NM_024577.3); short protein forms Q105fs.
Identifiers: ClinVar variation 450948 (VCV000450948.2), dbSNP rs1554122973, ClinGen allele CA658657552.
Genomic context (GRCh38, chr5:149,044,605, plus strand): 5'-AGGTGGAGAACTTCCAGATTTCCTCCATGGTCTTGAAGGTGATGAGAAACTGGGCCCTCT[G>GA]AGACTGGATACTGACCAACCTTGCTGAGAGGTCCTACGTAAAGGAAACAATGAGTCAGCC-3'